The following is an entry in ClinVar:

NM_016122.3(CEP83):c.1170del (p.Lys390fs)

Gene: CEP83 (centrosomal protein 83; minus strand). Cytogenetic location: 12q22.
Variant type: Deletion.
Coding change: c.1170del on transcript NM_016122.3 (MANE Select); coding-DNA position 1170, one base deleted (A; older notation c.1170delA).
Protein change: p.Lys390fs; shifts the reading frame from lysine 390.
Molecular consequence: frameshift variant. On other transcripts: non-coding transcript variant (1).
Genome position (GRCh38, 1-based): chr12:94,368,080, T deleted on the plus strand (A on the coding strand, the reverse complement: CEP83 is on the minus strand); the first of 5 consecutive T bases (chr12:94,368,080-94,368,084); deleting any one gives the same sequence. VCF-style (leftmost placement, unchanged base first): chr12-94368079-GT-G. GRCh37 (hg19) VCF-style: chr12-94761855-GT-G.
Other names: c.1170del, p.Lys390fs (NM_001042399.2, NM_001346457.2, NM_001368037.1 and 1 more transcripts); c.858del, p.Lys286fs (NM_001346458.2, NM_001346459.2, NM_001368039.1 and 1 more transcripts); c.945del, p.Lys315fs (NM_001368041.1); short protein forms K286fs, K390fs, K315fs.
Identifiers: ClinVar variation 2707715 (VCV002707715.3), dbSNP rs2541678147, ClinGen allele CA2697551511.

ClinVar aggregate classification (germline): Pathogenic (1 of 4 stars; one submission).

Conditions:
Nephronophthisis 18 (NPHP18). Identifiers: Orphanet 655, MedGen C3890591, MONDO:0014374, OMIM 615862.

Submission:

Labcorp Genetics (formerly Invitae), Labcorp
Classification: Pathogenic for Nephronophthisis 18. Last evaluated: 2024-10-28. Review status: criteria provided, single submitter. Criteria: Invitae Variant Classification Sherloc (09022015). Collection method: clinical testing. Allele origin: germline.
Comment: This sequence change creates a premature translational stop signal (p.Lys390Asnfs*10) in the CEP83 gene. It is expected to result in an absent or disrupted protein product. Loss-of-function variants in CEP83 are known to be pathogenic (PMID: 23530209, 24882706). This variant is not present in population databases (gnomAD no frequency). This variant has not been reported in the literature in individuals affected with CEP83-related conditions. For these reasons, this variant has been classified as Pathogenic.

Literature cited by the submitters: PubMed 23530209; PubMed 24882706.